The following is an entry in ClinVar:

NM_001012614.2(CTBP1):c.1214A>T (p.His405Leu)

Genes: CTBP1 (C-terminal binding protein 1; minus strand), CTBP1-AS (CTBP1 antisense RNA; plus strand). Cytogenetic location: 4p16.3.
Variant type: single nucleotide variant.
Coding change: c.1214A>T on transcript NM_001012614.2 (MANE Select); coding-DNA position 1214, A replaced by T.
Protein change: p.His405Leu; replaces histidine 405 with leucine.
Molecular consequence: missense variant. On other transcripts: non-coding transcript variant (1).
Genome position (GRCh38, 1-based): chr4:1,212,316, T>A on the plus strand (A>T on the coding strand, the complement: CTBP1 is on the minus strand). VCF-style: chr4-1212316-T-A. GRCh37 (hg19) VCF-style: chr4-1206104-T-A.
Other names: c.1247A>T, p.His416Leu (NM_001328.3); c.1250A>T, p.His417Leu (NM_001377186.1); c.1217A>T, p.His406Leu (NM_001377187.1, NM_001377188.1, NM_001377189.1 and 1 more transcripts); c.1214A>T, p.His405Leu (NM_001377191.1, NM_001377192.1, NM_001377193.1); short protein forms H405L, H406L, H416L, H417L.
Identifiers: ClinVar variation 1635914 (VCV001635914.38), dbSNP rs377619487, ClinGen allele CA2804151.

ClinVar aggregate classification (germline): Benign/Likely benign. Review status: criteria provided, multiple submitters, no conflicts (2 of 4 stars). 2 submissions from 2 submitters: Benign (1); Likely benign (1). Last evaluated 2025-05-18.

Allele frequency attached by ClinVar (database versions not stated): TOPMed 0.00010; ESP Exome Variant Server 0.00016; gnomAD 0.00021 and 0.00023; gnomAD exomes 0.00053; ExAC 0.00055.
gnomAD v4.1: 220 of 492,766 alleles (0.045%); highest among the groups gnomAD compares: Non-Finnish European, 0.068%; no homozygotes.

Submissions (2):

Labcorp Genetics (formerly Invitae), Labcorp
Classification: Benign. Last evaluated: 2025-05-18. Review status: criteria provided, single submitter. Criteria: Invitae Variant Classification Sherloc (09022015). Collection method: clinical testing. Allele origin: germline.

CeGaT Center for Human Genetics Tuebingen
Classification: Likely benign. Last evaluated: 2023-09-01. Review status: criteria provided, single submitter. Criteria: CeGaT Center For Human Genetics Tuebingen Variant Classification Criteria Version 2. Collection method: clinical testing. Allele origin: germline. Affected: yes. Observed: 2 variant alleles.
Comment: CTBP1: PP2, BS1